The following is an entry in ClinVar:

ClinVar aggregate classification (germline): Uncertain significance (1 of 4 stars; one submission).

Submission:

Labcorp Genetics (formerly Invitae), Labcorp
Classification: Uncertain significance. Last evaluated: 2025-03-16. Review status: criteria provided, single submitter. Criteria: Invitae Variant Classification Sherloc (09022015). Collection method: clinical testing. Allele origin: germline.
Comment: This sequence change replaces proline, which is neutral and non-polar, with serine, which is neutral and polar, at codon 155 of the HOXB13 protein (p.Pro155Ser). Information on the frequency of this variant in the gnomAD database is not available, as this variant may be reported differently in the database. This variant has not been reported in the literature in individuals affected with HOXB13-related conditions. Experimental studies and prediction algorithms are not available or were not evaluated, and the functional significance of this variant is currently unknown. In summary, the available evidence is currently insufficient to determine the role of this variant in disease. Therefore, it has been classified as a Variant of Uncertain Significance.

NM_006361.6(HOXB13):c.462_463delinsCT (p.Pro155Ser)

Gene: HOXB13 (homeobox B13; minus strand). Cytogenetic location: 17q21.32.
Variant type: Indel.
Coding change: c.462_463delinsCT on transcript NM_006361.6 (MANE Select); coding-DNA positions 462 to 463, TC replaced by CT.
Protein change: p.Pro155Ser; replaces proline 155 with serine.
Molecular consequence: missense variant.
Genome position (GRCh38, 1-based): chr17:48,728,131-48,728,132, GA replaced by AG on the plus strand (TC replaced by CT on the coding strand, the reverse complement: HOXB13 is on the minus strand). VCF-style: chr17-48728131-GA-AG. GRCh37 (hg19) VCF-style: chr17-46805493-GA-AG.
Other names: short protein forms P155S.
Identifiers: ClinVar variation 4715186 (VCV004715186.1).